The following is an entry in ClinVar:

ClinVar aggregate classification (germline): Pathogenic/Likely pathogenic. Review status: criteria provided, multiple submitters, no conflicts (2 of 4 stars). 4 submissions from 4 submitters: Pathogenic (1); Likely pathogenic (2). 1 of the submissions does not count toward it. Last evaluated 2026-04-05.

Conditions:
BBS12-related disorder. Also called: BBS12-related condition.
Bardet-Biedl syndrome 12 (BBS12). Identifiers: Orphanet 110, MedGen C1859570, MONDO:0014440, OMIM 615989.
Bardet-Biedl syndrome (BBS). Identifiers: Orphanet 110, MedGen C0752166, MONDO:0015229.

Submissions (4):

PreventionGenetics, part of Exact Sciences
Classification: Likely pathogenic for BBS12-related condition. Last evaluated: 2026-04-05. Review status: criteria provided, single submitter. Criteria: ACMG Guidelines, 2015. Collection method: clinical testing. Allele origin: germline.
Comment: The BBS12 c.1009_1010delGT variant is predicted to result in a frameshift and premature protein termination (p.Val337Cysfs*5). To our knowledge, this variant has not been reported in the literature or in a large population database (gnomAD), indicating this variant is rare. Frameshift variants in BBS12 are expected to be pathogenic. This variant is interpreted as likely pathogenic.

Baylor Genetics
Classification: Likely pathogenic for Bardet-Biedl syndrome 12. Last evaluated: 2023-09-11. Review status: criteria provided, single submitter. Criteria: ACMG Guidelines, 2015. Collection method: clinical testing. Allele origin: unknown.

Labcorp Genetics (formerly Invitae), Labcorp
Classification: Pathogenic for Bardet-Biedl syndrome. Last evaluated: 2021-11-24. Review status: criteria provided, single submitter. Criteria: Invitae Variant Classification Sherloc (09022015). Collection method: clinical testing. Allele origin: germline.
Comment: For these reasons, this variant has been classified as Pathogenic. This variant disrupts a region of the BBS12 protein in which other variant(s) (p.Arg355*) have been determined to be pathogenic (PMID: 17160889, 23591405). This suggests that this is a clinically significant region of the protein, and that variants that disrupt it are likely to be disease-causing. Experimental studies and prediction algorithms are not available or were not evaluated, and the functional significance of this variant is currently unknown. ClinVar contains an entry for this variant (Variation ID: 558010). This variant has not been reported in the literature in individuals affected with BBS12-related conditions. This variant is not present in population databases (gnomAD no frequency). This sequence change creates a premature translational stop signal (p.Val337Cysfs*5) in the BBS12 gene. While this is not anticipated to result in nonsense mediated decay, it is expected to disrupt the last 374 amino acid(s) of the BBS12 protein.

Counsyl
Classification: Likely pathogenic for Bardet-Biedl syndrome 12. Last evaluated: 2018-04-24. Review status: no assertion criteria provided. Collection method: clinical testing. Allele origin: unknown. Not counted in ClinVar's aggregate classification.

Literature cited by the submitters: PubMed 17160889 (cited by Labcorp Genetics (formerly Invitae), Labcorp); PubMed 23591405 (cited by Labcorp Genetics (formerly Invitae), Labcorp).

NM_152618.3(BBS12):c.1009_1010del (p.Val337fs)

Gene: BBS12 (Bardet-Biedl syndrome 12; plus strand). Cytogenetic location: 4q27.
Variant type: Deletion.
Coding change: c.1009_1010del on transcript NM_152618.3 (MANE Select); coding-DNA positions 1009 to 1010, 2 bases deleted (GT; older notation c.1009_1010delGT).
Protein change: p.Val337fs; shifts the reading frame from valine 337.
Molecular consequence: frameshift variant.
Genome position (GRCh38, 1-based): chr4:122,742,901-122,742,902, GT deleted; deleting any 2 consecutive bases within chr4:122,742,900-122,742,902 gives the same sequence; the c. name uses the placement nearest the transcript's 3' end. VCF-style (leftmost placement, unchanged base first): chr4-122742899-CTG-C. GRCh37 (hg19) VCF-style: chr4-123664054-CTG-C.
Other names: c.1009_1010del, p.Val337fs (NM_001178007.2); short protein forms V337fs.
Identifiers: ClinVar variation 558010 (VCV000558010.9), dbSNP rs1553941369, ClinGen allele CA658821373.
Genomic context (GRCh38, chr4:122,742,899, plus strand): 5'-TCACTTGCTGTCTACCAGGCTTACCTGAAACTTCTTCTTGTGTTTGTCCAGGATATATCA[CTG>C]TTGTGTCAGTATCTAATAATCCTGTGATCAAGGAATTGCAGAATCAGCCTGTGCGAATAG-3'